The following is an entry in ClinVar:

NM_206926.2(SELENON):c.1663C>T (p.Gln555Ter)

Gene: SELENON (selenoprotein N; plus strand). Cytogenetic location: 1p36.11.
Variant type: single nucleotide variant.
Coding change: c.1663C>T on transcript NM_206926.2 (MANE Select); coding-DNA position 1663, C replaced by T.
Protein change: p.Gln555Ter; replaces glutamine 555 with a stop codon.
Molecular consequence: nonsense.
Genome position (GRCh38, 1-based): chr1:25,815,710, C>T. VCF-style: chr1-25815710-C-T. GRCh37 (hg19) VCF-style: chr1-26142201-C-T.
Other names: c.1765C>T, p.Gln589Ter (NM_020451.3); c.1765C>T (NM_020451.2); short protein forms Q555*, Q589*.
Identifiers: ClinVar variation 1462722 (VCV001462722.5), dbSNP rs374398346, ClinGen allele CA696986.
Genomic context (GRCh38, chr1:25,815,710, plus strand): 5'-TCCACGGCCACCTACATGCAGTTCCTGAAGGAGGGACTCCGGCGTGGCCTGCCCCTCCTC[C>T]AGCCCTAGAGTGCCTGGACGGGATCTGATGCACAGGCCCCCACGCCTCAGAGCCAGAGTG-3'

ClinVar aggregate classification (germline): Uncertain significance. Review status: criteria provided, multiple submitters, no conflicts (2 of 4 stars). 2 submissions from 2 submitters: Uncertain significance (2). Last evaluated 2021-09-12.

Conditions:
Eichsfeld type congenital muscular dystrophy (CMYO3). Also called: MYOPATHY, SEPN1-RELATED; SELENON-related myopathy; Congenital myopathy 3 with rigid spine; Rigid spine muscular dystrophy 1. Identifiers: MedGen C0410180, MONDO:0100100, OMIM 602771.

Allele frequency attached by ClinVar (database versions not stated): TOPMed below 0.00001; ExAC 0.00001; gnomAD exomes below 0.00001; gnomAD 0.00001.
gnomAD v4.1: 8 of 1,613,866 alleles (0.0005%); highest among the groups gnomAD compares: East Asian, 0.0022%; no homozygotes.

Submissions (2):

Labcorp Genetics (formerly Invitae), Labcorp
Classification: Uncertain significance for Eichsfeld type congenital muscular dystrophy. Last evaluated: 2021-09-12. Review status: criteria provided, single submitter. Criteria: Invitae Variant Classification Sherloc (09022015). Collection method: clinical testing. Allele origin: germline.
Comment: This sequence change creates a premature translational stop signal (p.Gln589*) in the SELENON gene. While this is not anticipated to result in nonsense mediated decay, it is expected to disrupt the last 2 amino acid(s) of the SELENON protein. This variant is present in population databases (rs374398346, ExAC 0.006%). This variant has not been reported in the literature in individuals affected with SELENON-related conditions. In summary, the available evidence is currently insufficient to determine the role of this variant in disease. Therefore, it has been classified as a Variant of Uncertain Significance.

Revvity Omics, Revvity
Classification: Uncertain significance for Eichsfeld type congenital muscular dystrophy. Last evaluated: 2020-07-23. Review status: criteria provided, single submitter. Criteria: ACMG Guidelines, 2015. Collection method: clinical testing. Allele origin: germline.